The following is an entry in ClinVar:

NM_004525.3(LRP2):c.9707G>A (p.Arg3236Gln)

Gene: LRP2 (LDL receptor related protein 2; minus strand). Cytogenetic location: 2q31.1.
Variant type: single nucleotide variant.
Coding change: c.9707G>A on transcript NM_004525.3 (MANE Select); coding-DNA position 9707, G replaced by A.
Protein change: p.Arg3236Gln; replaces arginine 3236 with glutamine.
Molecular consequence: missense variant.
Genome position (GRCh38, 1-based): chr2:169,185,641, C>T on the plus strand (G>A on the coding strand, the complement: LRP2 is on the minus strand). VCF-style: chr2-169185641-C-T. GRCh37 (hg19) VCF-style: chr2-170042151-C-T.
Other names: c.9707G>A (NM_004525.2); short protein forms R3236Q.
Identifiers: ClinVar variation 2200608 (VCV002200608.3), dbSNP rs752719843, ClinGen allele CA1953529.

ClinVar aggregate classification (germline): Uncertain significance. Review status: criteria provided, multiple submitters, no conflicts (2 of 4 stars). 2 submissions from 2 submitters: Uncertain significance (2). Last evaluated 2023-08-04.

Conditions:
Inborn genetic diseases. Identifiers: MedGen C0950123, MeSH D030342.

gnomAD v4.1: 19 of 1,614,162 alleles (0.0012%); highest among the groups gnomAD compares: South Asian, 0.0066%; no homozygotes.

Submissions (2):

Ambry Genetics
Classification: Uncertain significance for Inborn genetic diseases. Last evaluated: 2023-08-04. Review status: criteria provided, single submitter. Criteria: Ambry Variant Classification Scheme 2023. Collection method: clinical testing. Allele origin: germline.

Labcorp Genetics (formerly Invitae), Labcorp
Classification: Uncertain significance. Last evaluated: 2022-07-01. Review status: criteria provided, single submitter. Criteria: Invitae Variant Classification Sherloc (09022015). Collection method: clinical testing. Allele origin: germline.
Comment: This sequence change replaces arginine, which is basic and polar, with glutamine, which is neutral and polar, at codon 3236 of the LRP2 protein (p.Arg3236Gln). This variant is present in population databases (rs752719843, gnomAD 0.006%). This variant has not been reported in the literature in individuals affected with LRP2-related conditions. Algorithms developed to predict the effect of missense changes on protein structure and function are either unavailable or do not agree on the potential impact of this missense change (SIFT: "Tolerated"; PolyPhen-2: "Probably Damaging"; Align-GVGD: "Class C0"). In summary, the available evidence is currently insufficient to determine the role of this variant in disease. Therefore, it has been classified as a Variant of Uncertain Significance.